The following is an entry in ClinVar:

ClinVar aggregate classification (germline): Pathogenic. Review status: criteria provided, multiple submitters, no conflicts (2 of 4 stars). 2 submissions from 2 submitters: Pathogenic (2). Last evaluated 2024-07-20.

Conditions:
Junctional epidermolysis bullosa. Identifiers: Orphanet 305, MedGen C0079301, MONDO:0017612.

Submissions (2):

Myriad Genetics, Inc.
Classification: Pathogenic for Junctional epidermolysis bullosa. Last evaluated: 2024-07-20. Review status: criteria provided, single submitter. Criteria: Myriad Autosomal Dominant, Autosomal Recessive and X-Linked Classification Criteria (2023). Collection method: clinical testing. Allele origin: unknown.
Comment: NM_000228.2(LAMB3):c.2014delG(E672Rfs*35) is expected to be pathogenic in the context of junctional epidermolysis bullosa, LAMB3-related. This variant is predicted to lead to an abnormal or absent protein product due to the creation of a premature termination codon in LAMB3, a gene where loss-of-function variants are known to be pathogenic. Please note: this variant was assessed in the context of healthy population screening.

Labcorp Genetics (formerly Invitae), Labcorp
Classification: Pathogenic. Last evaluated: 2021-04-06. Review status: criteria provided, single submitter. Criteria: Invitae Variant Classification Sherloc (09022015). Collection method: clinical testing. Allele origin: germline.
Comment: For these reasons, this variant has been classified as Pathogenic. This variant has not been reported in the literature in individuals with LAMB3-related conditions. This variant is not present in population databases (ExAC no frequency). This sequence change creates a premature translational stop signal (p.Glu672Argfs*35) in the LAMB3 gene. It is expected to result in an absent or disrupted protein product. Loss-of-function variants in LAMB3 are known to be pathogenic (PMID: 11023379, 16473856).

Literature cited by the submitters: PubMed 11023379 (cited by Labcorp Genetics (formerly Invitae), Labcorp); PubMed 16473856 (cited by Labcorp Genetics (formerly Invitae), Labcorp).

NM_000228.3(LAMB3):c.2014del (p.Glu672fs)

Gene: LAMB3 (laminin subunit beta 3; minus strand). Cytogenetic location: 1q32.2.
Variant type: Deletion.
Coding change: c.2014del on transcript NM_000228.3 (MANE Select); coding-DNA position 2014, one base deleted (G; older notation c.2014delG).
Protein change: p.Glu672fs; shifts the reading frame from glutamic acid 672.
Molecular consequence: frameshift variant.
Genome position (GRCh38, 1-based): chr1:209,623,963, C deleted on the plus strand (G on the coding strand, the reverse complement: LAMB3 is on the minus strand); the first of 2 consecutive C bases (chr1:209,623,963-209,623,964); deleting either gives the same sequence. VCF-style (leftmost placement, unchanged base first): chr1-209623962-TC-T. GRCh37 (hg19) VCF-style: chr1-209797307-TC-T.
Other names: c.2014del, p.Glu672fs (NM_001017402.2, NM_001127641.1); short protein forms E672fs.
Identifiers: ClinVar variation 1427996 (VCV001427996.7), dbSNP rs2102416503, ClinGen allele CA2573130648.
Genomic context (GRCh38, chr1:209,623,962, plus strand): 5'-AGACCATTGAAGCTTCTGTCAAGACTCTCCAGGTCTCTCGGAAGGGACAACGTCTCCTCC[TC>T]CAGGGGCAGATCCAGCTGCAGGCCCTGGAGAGTTCGCCTGAGAAGGGAGAGGAGCTTACA-3'